The following is an entry in ClinVar:

NM_001458.5(FLNC):c.7486G>A (p.Val2496Ile)

Genes: FLNC (filamin C; plus strand), FLNC-AS1 (FLNC antisense RNA 1; minus strand). Cytogenetic location: 7q32.1.
Variant type: single nucleotide variant.
Coding change: c.7486G>A on transcript NM_001458.5 (MANE Select); coding-DNA position 7486, G replaced by A.
Protein change: p.Val2496Ile; replaces valine 2496 with isoleucine.
Molecular consequence: missense variant.
Genome position (GRCh38, 1-based): chr7:128,856,846, G>A. VCF-style: chr7-128856846-G-A. GRCh37 (hg19) VCF-style: chr7-128496900-G-A.
Other names: c.7387G>A, p.Val2463Ile (NM_001127487.2); short protein forms V2496I, V2463I.
Identifiers: ClinVar variation 1403601 (VCV001403601.10), dbSNP rs200295337, ClinGen allele CA4476282.

ClinVar aggregate classification (germline): Conflicting classifications of pathogenicity. Review status: criteria provided, conflicting classifications (1 of 4 stars). 3 submissions from 3 submitters: Uncertain significance (2); Likely benign (1). Last evaluated 2026-02-01.

Conditions:
Hypertrophic cardiomyopathy 26. Also called: Cardiomyopathy, familial hypertrophic, 26. Identifiers: Orphanet 75249, MedGen C4310749, MONDO:0014883, OMIM 617047.
Myofibrillar myopathy 5. Also called: FILAMINOPATHY, AUTOSOMAL DOMINANT; Filaminopathy (type). Identifiers: Orphanet 171445, MedGen C1836050, MONDO:0012289, OMIM 609524.
Distal myopathy with posterior leg and anterior hand involvement. Also called: WILLIAMS DISTAL MYOPATHY. Identifiers: Orphanet 63273, MedGen C3279722, MONDO:0013550, OMIM 614065.
Cardiovascular phenotype. Identifiers: MedGen CN230736.

Allele frequency attached by ClinVar (database versions not stated): gnomAD 0.00001; 1000 Genomes Project 30x 0.00016; 1000 Genomes Project 0.00020.
gnomAD v4.1: 10 of 1,614,212 alleles (0.00062%); highest among the groups gnomAD compares: South Asian, 0.0055%; no homozygotes.

Submissions (3):

Labcorp Genetics (formerly Invitae), Labcorp
Classification: Likely benign for Distal myopathy with posterior leg and anterior hand involvement; Myofibrillar myopathy 5; Hypertrophic cardiomyopathy 26. Last evaluated: 2026-02-01. Review status: criteria provided, single submitter. Criteria: Invitae Variant Classification Sherloc (09022015). Collection method: clinical testing. Allele origin: germline.

Ambry Genetics
Classification: Uncertain significance for Cardiovascular phenotype. Last evaluated: 2024-08-16. Review status: criteria provided, single submitter. Criteria: Ambry Variant Classification Scheme 2023. Collection method: clinical testing. Allele origin: germline.
Comment: The p.V2496I variant (also known as c.7486G>A), located in coding exon 45 of the FLNC gene, results from a G to A substitution at nucleotide position 7486. The valine at codon 2496 is replaced by isoleucine, an amino acid with highly similar properties. This amino acid position is conserved. In addition, the in silico prediction for this alteration is inconclusive. Since supporting evidence is limited at this time, the clinical significance of this alteration remains unclear.

GeneDx
Classification: Uncertain significance. Last evaluated: 2024-07-29. Review status: criteria provided, single submitter. Criteria: GeneDx Variant Classification Process June 2021. Collection method: clinical testing. Allele origin: germline. Affected: yes.
Comment: Has not been previously published as pathogenic or benign to our knowledge; Not observed at significant frequency in large population cohorts (gnomAD); In silico analysis indicates that this missense variant does not alter protein structure/function